The following is an entry in ClinVar:

ClinVar aggregate classification (germline): Uncertain significance. Review status: criteria provided, multiple submitters, no conflicts (2 of 4 stars). 2 submissions from 2 submitters: Uncertain significance (2). Last evaluated 2025-12-14.

Conditions:
Hereditary cancer-predisposing syndrome. Also called: Neoplastic Syndromes, Hereditary; Tumor predisposition; Hereditary neoplastic syndrome; Hereditary Cancer Syndrome. Identifiers: Orphanet 140162, MedGen C0027672, MeSH D009386, MONDO:0015356.

Allele frequency attached by ClinVar (database versions not stated): gnomAD exomes 0.00002.
gnomAD v4.1: 15 of 1,614,098 alleles (0.00093%); highest among the groups gnomAD compares: Non-Finnish European, 0.0013%; no homozygotes.

Submissions (2):

Labcorp Genetics (formerly Invitae), Labcorp
Classification: Uncertain significance. Last evaluated: 2025-12-14. Review status: criteria provided, single submitter. Criteria: Invitae Variant Classification Sherloc (09022015). Collection method: clinical testing. Allele origin: germline.
Comment: This sequence change replaces valine, which is neutral and non-polar, with alanine, which is neutral and non-polar, at codon 1880 of the POLE protein (p.Val1880Ala). This variant is not present in population databases (gnomAD no frequency). This variant has not been reported in the literature in individuals affected with POLE-related conditions. ClinVar contains an entry for this variant (Variation ID: 661169). Invitae Evidence Modeling of protein sequence and biophysical properties (such as structural, functional, and spatial information, amino acid conservation, physicochemical variation, residue mobility, and thermodynamic stability) indicates that this missense variant is not expected to disrupt POLE protein function with a negative predictive value of 80%. In summary, the available evidence is currently insufficient to determine the role of this variant in disease. Therefore, it has been classified as a Variant of Uncertain Significance.

Ambry Genetics
Classification: Uncertain significance for Hereditary cancer-predisposing syndrome. Last evaluated: 2023-10-20. Review status: criteria provided, single submitter. Criteria: Ambry Variant Classification Scheme 2023. Collection method: clinical testing. Allele origin: germline.
Comment: The p.V1880A variant (also known as c.5639T>C), located in coding exon 41 of the POLE gene, results from a T to C substitution at nucleotide position 5639. The valine at codon 1880 is replaced by alanine, an amino acid with similar properties. This amino acid position is conserved. In addition, this alteration is predicted to be tolerated by in silico analysis. Since supporting evidence is limited at this time, the clinical significance of this alteration remains unclear.

NM_006231.4(POLE):c.5639T>C (p.Val1880Ala)

Gene: POLE (DNA polymerase epsilon, catalytic subunit; minus strand). Cytogenetic location: 12q24.33.
Variant type: single nucleotide variant.
Coding change: c.5639T>C on transcript NM_006231.4 (MANE Select); coding-DNA position 5639, T replaced by C.
Protein change: p.Val1880Ala; replaces valine 1880 with alanine.
Molecular consequence: missense variant.
Genome position (GRCh38, 1-based): chr12:132,638,053, A>G on the plus strand (T>C on the coding strand, the complement: POLE is on the minus strand). VCF-style: chr12-132638053-A-G. GRCh37 (hg19) VCF-style: chr12-133214639-A-G.
Other names: c.5639T>C (NM_006231.2); short protein forms V1880A.
Identifiers: ClinVar variation 661169 (VCV000661169.11), dbSNP rs1593719608, ClinGen allele CA387374025.